The following is an entry in ClinVar:

ClinVar aggregate classification (germline): Conflicting classifications of pathogenicity. Review status: criteria provided, conflicting classifications (1 of 4 stars). 4 submissions from 4 submitters: Uncertain significance (1); Benign (2); Likely benign (1). Last evaluated 2025-09-21.

Conditions:
Inborn genetic diseases. Identifiers: MedGen C0950123, MeSH D030342.
Infantile-onset X-linked spinal muscular atrophy. Also called: Spinal muscular atrophy, X-linked 2; AMC, DISTAL, X-LINKED; ARTHROGRYPOSIS, X-LINKED, TYPE I; Spinal Muscular Atrophy, X-Linked Infantile; SPINAL MUSCULAR ATROPHY, X-LINKED LETHAL INFANTILE. Identifiers: Orphanet 1145, MedGen C1844934, MONDO:0010532, OMIM 301830.

Allele frequency attached by ClinVar (database versions not stated): gnomAD 0.00009; TOPMed 0.00017.
gnomAD v4.1: 38 of 1,197,425 alleles (0.0032%); highest among the groups gnomAD compares: East Asian, 0.03%; no homozygotes.

Submissions (4):

Labcorp Genetics (formerly Invitae), Labcorp
Classification: Benign for Infantile-onset X-linked spinal muscular atrophy. Last evaluated: 2025-09-21. Review status: criteria provided, single submitter. Criteria: Invitae Variant Classification Sherloc (09022015). Collection method: clinical testing. Allele origin: germline.

Mayo Clinic Laboratories, Mayo Clinic
Classification: Benign. Last evaluated: 2025-03-04. Review status: criteria provided, single submitter. Criteria: ACMG Guidelines, 2015. Collection method: clinical testing. Allele origin: germline. Observed: 1 variant allele.
Comment: BS1, BS2, BP4

Ambry Genetics
Classification: Likely benign for Inborn genetic diseases. Last evaluated: 2021-12-13. Review status: criteria provided, single submitter. Criteria: Ambry Variant Classification Scheme 2023. Collection method: clinical testing. Allele origin: germline.

Breakthrough Genomics
Classification: Uncertain significance. Review status: criteria provided, single submitter. Criteria: ACMG Guidelines, 2015. Collection method: not provided. Allele origin: germline. Inheritance: X-linked recessive inheritance. Affected: yes.

NM_003334.4(UBA1):c.574C>T (p.Arg192Trp)

Gene: UBA1 (ubiquitin like modifier activating enzyme 1; plus strand). Cytogenetic location: Xp11.3.
Variant type: single nucleotide variant.
Coding change: c.574C>T on transcript NM_003334.4 (MANE Select); coding-DNA position 574, C replaced by T.
Protein change: p.Arg192Trp; replaces arginine 192 with tryptophan.
Molecular consequence: missense variant.
Genome position (GRCh38, 1-based): chrX:47,200,987, C>T. VCF-style: chrX-47200987-C-T. GRCh37 (hg19) VCF-style: chrX-47060386-C-T.
Other names: p.Arg192Trp; c.574C>T, p.Arg192Trp (NM_153280.3); short protein forms R192W.
Identifiers: ClinVar variation 533611 (VCV000533611.12), dbSNP rs185589110, ClinGen allele CA10395707.